The following is an entry in ClinVar:

NM_006514.4(SCN10A):c.2275C>T (p.Arg759Cys)

Gene: SCN10A (sodium voltage-gated channel alpha subunit 10; minus strand). Cytogenetic location: 3p22.2.
Variant type: single nucleotide variant.
Coding change: c.2275C>T on transcript NM_006514.4 (MANE Select); coding-DNA position 2275, C replaced by T.
Protein change: p.Arg759Cys; replaces arginine 759 with cysteine.
Molecular consequence: missense variant.
Genome position (GRCh38, 1-based): chr3:38,739,520, G>A on the plus strand (C>T on the coding strand, the complement: SCN10A is on the minus strand). VCF-style: chr3-38739520-G-A. GRCh37 (hg19) VCF-style: chr3-38781011-G-A.
Other names: c.2275C>T, p.Arg759Cys (NM_001293306.2); c.1981C>T, p.Arg661Cys (NM_001293307.2); c.2275C>T (NM_006514.2); short protein forms R759C, R661C.
Identifiers: ClinVar variation 1434309 (VCV001434309.9), dbSNP rs745659019, ClinGen allele CA2320595.

ClinVar aggregate classification (germline): Uncertain significance. Review status: criteria provided, multiple submitters, no conflicts (2 of 4 stars). 2 submissions from 2 submitters: Uncertain significance (2). Last evaluated 2025-05-16.

Conditions:
Cardiovascular phenotype. Identifiers: MedGen CN230736.
Brugada syndrome. Also called: Sudden Unexplained Death Syndrome; Sudden Unexplained Nocturnal Death Syndrome (SUNDS); Sudden unexplained nocturnal death syndrome; Sudden unexpected nocturnal death syndrome. Identifiers: Orphanet 130, MedGen C1142166, MONDO:0015263.

gnomAD v4.1: 17 of 1,613,020 alleles (0.0011%); highest among the groups gnomAD compares: Admixed American, 0.0017%; no homozygotes.

Submissions (2):

Ambry Genetics
Classification: Uncertain significance for Cardiovascular phenotype. Last evaluated: 2025-05-16. Review status: criteria provided, single submitter. Criteria: Ambry Variant Classification Scheme 2023. Collection method: clinical testing. Allele origin: germline.
Comment: The p.R759C variant (also known as c.2275C>T), located in coding exon 14 of the SCN10A gene, results from a C to T substitution at nucleotide position 2275. The arginine at codon 759 is replaced by cysteine, an amino acid with highly dissimilar properties. This amino acid position is highly conserved in available vertebrate species. In addition, this alteration is predicted to be deleterious by in silico analysis. The evidence for this gene-disease relationship is limited; therefore, the clinical significance of this alteration is unclear.

Labcorp Genetics (formerly Invitae), Labcorp
Classification: Uncertain significance for Brugada syndrome. Last evaluated: 2021-06-23. Review status: criteria provided, single submitter. Criteria: Invitae Variant Classification Sherloc (09022015). Collection method: clinical testing. Allele origin: germline.
Comment: This sequence change replaces arginine with cysteine at codon 759 of the SCN10A protein (p.Arg759Cys). The arginine residue is highly conserved and there is a large physicochemical difference between arginine and cysteine. In summary, the available evidence is currently insufficient to determine the role of this variant in disease. Therefore, it has been classified as a Variant of Uncertain Significance. Advanced modeling of protein sequence and biophysical properties (such as structural, functional, and spatial information, amino acid conservation, physicochemical variation, residue mobility, and thermodynamic stability) performed at Invitae indicates that this missense variant is expected to disrupt SCN10A protein function. This variant has not been reported in the literature in individuals with SCN10A-related conditions. This variant is present in population databases (rs745659019, ExAC 0.009%).